The following is an entry in ClinVar:

ClinVar aggregate classification (germline): Uncertain significance (1 of 4 stars; one submission).

Conditions:
Glucose-6-phosphate transport defect (GSD1B). Also called: GSD Ib; Glycogen Storage Disease Type Ib. Identifiers: Orphanet 364, Orphanet 79259, MedGen C0268146, MONDO:0009288, OMIM 232220.

Allele frequency attached by ClinVar (database versions not stated): TOPMed below 0.00001.

Submission:

Labcorp Genetics (formerly Invitae), Labcorp
Classification: Uncertain significance for Glucose-6-phosphate transport defect. Last evaluated: 2022-08-23. Review status: criteria provided, single submitter. Criteria: Invitae Variant Classification Sherloc (09022015). Collection method: clinical testing. Allele origin: germline.
Comment: In summary, the available evidence is currently insufficient to determine the role of this variant in disease. Therefore, it has been classified as a Variant of Uncertain Significance. ClinVar contains an entry for this variant (Variation ID: 942276). This variant has not been reported in the literature in individuals affected with SLC37A4-related conditions. This variant is not present in population databases (gnomAD no frequency). This sequence change replaces isoleucine, which is neutral and non-polar, with valine, which is neutral and non-polar, at codon 352 of the SLC37A4 protein (p.Ile352Val).

NM_001164277.2(SLC37A4):c.1054A>G (p.Ile352Val)

Gene: SLC37A4 (solute carrier family 37 member 4; minus strand). Cytogenetic location: 11q23.3.
Variant type: single nucleotide variant.
Coding change: c.1054A>G on transcript NM_001164277.2 (MANE Select); coding-DNA position 1054, A replaced by G.
Protein change: p.Ile352Val; replaces isoleucine 352 with valine.
Molecular consequence: missense variant.
Genome position (GRCh38, 1-based): chr11:119,025,260, T>C on the plus strand (A>G on the coding strand, the complement: SLC37A4 is on the minus strand). VCF-style: chr11-119025260-T-C. GRCh37 (hg19) VCF-style: chr11-118895970-T-C.
Other names: c.1120A>G, p.Ile374Val (NM_001164278.2); c.835A>G, p.Ile279Val (NM_001164279.2); c.1054A>G, p.Ile352Val (NM_001164280.2, NM_001467.6); short protein forms I352V, I279V, I374V.
Identifiers: ClinVar variation 942276 (VCV000942276.9), dbSNP rs1943524404, ClinGen allele CA382895862.